The following is an entry in ClinVar:

ClinVar aggregate classification (germline): Uncertain significance (1 of 4 stars; one submission).

Conditions:
Hereditary cancer-predisposing syndrome. Also called: Tumor predisposition; Hereditary Cancer Syndrome; Hereditary neoplastic syndrome; Neoplastic Syndromes, Hereditary. Identifiers: Orphanet 140162, MedGen C0027672, MeSH D009386, MONDO:0015356.

Submission:

Ambry Genetics
Classification: Uncertain significance for Hereditary cancer-predisposing syndrome. Last evaluated: 2026-02-05. Review status: criteria provided, single submitter. Criteria: Ambry Variant Classification Scheme 2023. Collection method: clinical testing. Allele origin: germline.
Comment: The p.K122* variant (also known as c.364A>T), located in coding exon 5 of the POLE gene, results from an A to T substitution at nucleotide position 364. This changes the amino acid from a lysine to a stop codon within coding exon 5. This alteration is expected to result in loss of function by premature protein truncation or nonsense-mediated mRNA decay. Although biallelic loss of function of POLE has been associated with autosomal recessive POLE deficiency, haploinsufficiency of POLE has not been established as a mechanism of disease for POLE-related polymerase proofreading-associated polyposis (PPAP) and POLE-related CMMRD-like syndrome. Based on the supporting evidence, this variant is expected to be causative of POLE deficiency when present along with a second pathogenic variant on the other allele; however, its clinical significance for PPAP and POLE-related CMMRD-like syndrome is unclear.

NM_006231.4(POLE):c.364A>T (p.Lys122Ter)

Gene: POLE (DNA polymerase epsilon, catalytic subunit; minus strand). Cytogenetic location: 12q24.33.
Variant type: single nucleotide variant.
Coding change: c.364A>T on transcript NM_006231.4 (MANE Select); coding-DNA position 364, A replaced by T.
Protein change: p.Lys122Ter; replaces lysine 122 with a stop codon.
Molecular consequence: nonsense.
Genome position (GRCh38, 1-based): chr12:132,680,013, T>A on the plus strand (A>T on the coding strand, the complement: POLE is on the minus strand). VCF-style: chr12-132680013-T-A. GRCh37 (hg19) VCF-style: chr12-133256599-T-A.
Other names: short protein forms K122*.
Identifiers: ClinVar variation 1733580 (VCV001733580.3), dbSNP rs749266112, ClinGen allele CA387368162.